The following is an entry in ClinVar:

NM_000535.7(PMS2):c.354-20_354-18del

Gene: PMS2 (PMS1 homolog 2, mismatch repair system component; minus strand). Cytogenetic location: 7p22.1.
Variant type: Deletion.
Coding change: c.354-20_354-18del on transcript NM_000535.7 (MANE Select); 20 bases into the intron before coding-DNA position 354 through 18 bases into the intron before coding-DNA position 354, 3 bases deleted (TGC; older notation c.354-20_354-18delTGC).
Molecular consequence: intron variant. On other transcripts: inframe deletion (9).
Genome position (GRCh38, 1-based): chr7:6,002,654-6,002,656, GCA deleted on the plus strand (TGC on the coding strand, the reverse complement: PMS2 is on the minus strand). VCF-style (leftmost placement, unchanged base first): chr7-6002653-GGCA-G. GRCh37 (hg19) VCF-style: chr7-6042284-GGCA-G.
Other names: c.25_27del, p.Cys9del (NM_001322015.2, NM_001406875.1, NM_001406877.1 and 6 more transcripts); c.36-20_36-18del (NM_001322008.2, NM_001406902.1, NM_001406883.1 and 4 more transcripts); c.-52-20_-52-18del (NM_001406895.1, NM_001406911.1, NM_001322010.2 and 24 more transcripts); c.-531-20_-531-18del (NM_001322012.2, NM_001322011.2); c.250+1316_250+1318del (NM_001406885.1); c.354-20_354-18del (NM_001406886.1, NM_001406884.1, NM_001406874.1 and 8 more transcripts); c.378-20_378-18del (NM_001406868.1); c.540-20_540-18del (NM_001406866.1); short protein forms C9del.
Identifiers: ClinVar variation 3904661 (VCV003904661.1).
Genomic context (GRCh38, chr7:6,002,653, plus strand): 5'-TTCCAACCTTCGCCGATGCGTGGCAGGTAGAAATGGTGACATCGCTGTGAGAGAATACCA[GGCA>G]TGGTGTGTTCAGTGAGAGACCCATGATGTTGGGCACTGACTACTCTTTTCTTCACTTGCT-3'

ClinVar aggregate classification (germline): Likely benign (1 of 4 stars; one submission).

Conditions:
Lynch syndrome 4 (LYNCH4). Also called: Colorectal cancer, hereditary nonpolyposis, type 4; Hereditary non-polyposis colorectal cancer, type 4. Identifiers: Orphanet 144, MedGen C1838333, MONDO:0013699, OMIM 614337. Disease mechanism: loss of function.

Submission:

Myriad Genetics, Inc.
Classification: Likely benign for Lynch syndrome 4. Last evaluated: 2025-01-24. Review status: criteria provided, single submitter. Criteria: Myriad Autosomal Dominant, Autosomal Recessive and X-Linked Classification Criteria (2023). Collection method: clinical testing. Allele origin: unknown.
Comment: This variant is considered likely benign. This variant is intronic and is not expected to impact mRNA splicing.